The following is an entry in ClinVar:

ClinVar aggregate classification (germline): Uncertain significance (1 of 4 stars; one submission).

gnomAD v4.1: 2 of 1,609,730 alleles (0.00012%); no homozygotes.

Submission:

Women's Health and Genetics/Laboratory Corporation of America, LabCorp
Classification: Uncertain significance. Last evaluated: 2024-12-24. Review status: criteria provided, single submitter. Criteria: LabCorp Variant Classification Summary - May 2015. Collection method: clinical testing. Allele origin: germline.
Comment: Variant summary: HRAS c.*5+4A>T alters a non-conserved nucleotide located close to a canonical splice site and therefore could affect mRNA splicing, leading to a significantly altered protein sequence. Several computational tools predict a significant impact on normal splicing: Four predict the variant weakens the canonical 5' donor site. However, these predictions have yet to be confirmed by functional studies. The variant was absent in 243626 control chromosomes. The available data on variant occurrences in the general population are insufficient to allow any conclusion about variant significance. c.*5+4A>T has been reported in the literature in one individual affected with intellectual delay, developmental delay and autistic features, without strong evidence for causality (Redin_2014). These report(s) do not provide unequivocal conclusions about association of the variant with Costello Syndrome. Co-occurrences with other pathogenic variant(s) has been reported (MED13L c.6118_6125del, p.Gly2040Asnfs*32), providing supporting evidence for a benign role. To our knowledge, no experimental evidence demonstrating an impact on protein function has been reported. The following publication has been ascertained in the context of this evaluation (PMID: 25167861). No submitters have cited clinical-significance assessments for this variant to ClinVar. Based on the evidence outlined above, the variant was classified as uncertain significance.

Literature cited by the submitters: PubMed 25167861.

NM_005343.4(HRAS):c.*5+4A>T

Genes: HRAS (HRas proto-oncogene, GTPase; minus strand), LRRC56 (leucine rich repeat containing 56; plus strand). Cytogenetic location: 11p15.5.
Variant type: single nucleotide variant.
Coding change: c.*5+4A>T on transcript NM_005343.4 (MANE Select); 4 bases into the intron after 5 bases downstream of the stop codon, A replaced by T.
Molecular consequence: intron variant. On other transcripts: 3 prime UTR variant (2).
Genome position (GRCh38, 1-based): chr11:532,627, T>A on the plus strand (A>T on the coding strand, the complement: HRAS is on the minus strand). VCF-style: chr11-532627-T-A. GRCh37 (hg19) VCF-style: chr11-532627-T-A.
Other names: c.*9A>T (NM_001130442.3); c.*148A>T (NM_176795.5); c.*5+4A>T (NM_001318054.2).
Identifiers: ClinVar variation 3768467 (VCV003768467.1).
Genomic context (GRCh38, chr11:532,627, plus strand): 5'-CGGCAGGGGCGGGGAGCCGGGGTCATCCGGTGGGCGTGGCGGCCGCCCTGGGAGTCCCCC[T>A]CACCTGCGTCAGGAGAGCACACACTTGCAGCTCATGCAGCCGGGGCCACTCTCATCAGGA-3'